The following is an entry in ClinVar:

ClinVar aggregate classification (germline): Uncertain significance. Review status: criteria provided, multiple submitters, no conflicts (2 of 4 stars). 2 submissions from 2 submitters: Uncertain significance (2). Last evaluated 2024-08-12.

Conditions:
Hereditary cancer-predisposing syndrome. Also called: Hereditary Cancer Syndrome; Neoplastic Syndromes, Hereditary; Tumor predisposition; Hereditary neoplastic syndrome. Identifiers: Orphanet 140162, MedGen C0027672, MeSH D009386, MONDO:0015356.

Allele frequency attached by ClinVar (database versions not stated): TOPMed below 0.00001.

Submissions (2):

Ambry Genetics
Classification: Uncertain significance for Hereditary cancer-predisposing syndrome. Last evaluated: 2024-08-12. Review status: criteria provided, single submitter. Criteria: Ambry Variant Classification Scheme 2023. Collection method: clinical testing. Allele origin: germline.
Comment: The p.I413V variant (also known as c.1237A>G) is located in coding exon 9 of the FH gene. The isoleucine at codon 413 is replaced by valine, an amino acid with highly similar properties. This change occurs in the first base pair of coding exon 9. This amino acid position is conserved. In addition, this alteration is predicted to be tolerated by in silico analysis. Based on the available evidence, the clinical significance of this variant remains unclear.

Labcorp Genetics (formerly Invitae), Labcorp
Classification: Uncertain significance. Last evaluated: 2024-05-14. Review status: criteria provided, single submitter. Criteria: Invitae Variant Classification Sherloc (09022015). Collection method: clinical testing. Allele origin: germline.
Comment: This sequence change replaces isoleucine, which is neutral and non-polar, with valine, which is neutral and non-polar, at codon 413 of the FH protein (p.Ile413Val). This variant is not present in population databases (gnomAD no frequency). This variant has not been reported in the literature in individuals affected with FH-related conditions. An algorithm developed to predict the effect of missense changes on protein structure and function (PolyPhen-2) suggests that this variant is likely to be tolerated. In summary, the available evidence is currently insufficient to determine the role of this variant in disease. Therefore, it has been classified as a Variant of Uncertain Significance.

NM_000143.4(FH):c.1237A>G (p.Ile413Val)

Gene: FH (fumarate hydratase; minus strand). Cytogenetic location: 1q43.
Variant type: single nucleotide variant.
Coding change: c.1237A>G on transcript NM_000143.4 (MANE Select); coding-DNA position 1237, A replaced by G.
Protein change: p.Ile413Val; replaces isoleucine 413 with valine.
Molecular consequence: missense variant.
Genome position (GRCh38, 1-based): chr1:241,500,590, T>C on the plus strand (A>G on the coding strand, the complement: FH is on the minus strand). VCF-style: chr1-241500590-T-C. GRCh37 (hg19) VCF-style: chr1-241663890-T-C.
Other names: short protein forms I413V.
Identifiers: ClinVar variation 2745299 (VCV002745299.4), dbSNP rs1659749058, ClinGen allele CA345436965.
Genomic context (GRCh38, chr1:241,500,590, plus strand): 5'-TTTCTGTAAAGGAAACTGAAGCATCCCCCAGCAGCCTGGCTGAGTGTAACACATTTTTAA[T>C]CTTTGAGTGAGTGAGAGAGAGAGAGAGAGAGAGAGAGAGAGAGAGAGAGACATTACTAAG-3'
Protein context (NP_000134.2, residues 403-423): FELNVFKPMM[Ile413Val]KNVLHSARLL